The following is an entry in ClinVar:

ClinVar aggregate classification (germline): Uncertain significance (1 of 4 stars; one submission).

Conditions:
Nephronophthisis. Also called: Juvenile Nephronophthisis. Identifiers: Orphanet 655, MedGen C0687120, MONDO:0019005, HP:0000090.

Allele frequency attached by ClinVar (database versions not stated): TOPMed below 0.00001; gnomAD 0.00001; gnomAD exomes 0.00001.

Submission:

Labcorp Genetics (formerly Invitae), Labcorp
Classification: Uncertain significance for Nephronophthisis. Last evaluated: 2019-01-26. Review status: criteria provided, single submitter. Criteria: Invitae Variant Classification Sherloc (09022015). Collection method: clinical testing. Allele origin: germline.
Comment: This sequence change replaces valine with alanine at codon 419 of the INVS protein (p.Val419Ala). The valine residue is highly conserved and there is a small physicochemical difference between valine and alanine. This variant is not present in population databases (ExAC no frequency). This variant has not been reported in the literature in individuals with INVS-related conditions. Algorithms developed to predict the effect of missense changes on protein structure and function are either unavailable or do not agree on the potential impact of this missense change (SIFT: "Deleterious"; PolyPhen-2: "Benign"; Align-GVGD: "Class C55"). In summary, the available evidence is currently insufficient to determine the role of this variant in disease. Therefore, it has been classified as a Variant of Uncertain Significance.

NM_014425.5(INVS):c.1256T>C (p.Val419Ala)

Gene: INVS (inversin; plus strand). Cytogenetic location: 9q31.1.
Variant type: single nucleotide variant.
Coding change: c.1256T>C on transcript NM_014425.5 (MANE Select); coding-DNA position 1256, T replaced by C.
Protein change: p.Val419Ala; replaces valine 419 with alanine.
Molecular consequence: missense variant. On other transcripts: non-coding transcript variant (1).
Genome position (GRCh38, 1-based): chr9:100,252,928, T>C. VCF-style: chr9-100252928-T-C. GRCh37 (hg19) VCF-style: chr9-103015210-T-C.
Other names: c.968T>C, p.Val323Ala (NM_001318381.2); c.278T>C, p.Val93Ala (NM_001318382.2); short protein forms V323A, V419A, V93A.
Identifiers: ClinVar variation 861946 (VCV000861946.1), dbSNP rs1212072950, ClinGen allele CA374364645.
Genomic context (GRCh38, chr9:100,252,928, plus strand): 5'-TTTATATTAGACATTCTCATTATATTTGTGCTTTTCCAGGTGGAGCAAGGGTAGATCTAG[T>C]TGACCAAGATGGACATTCTCTTCTACATTGGGCAGCACTGGGAGGAAATGCTGATGTTTG-3'
Protein context (NP_055240.2, residues 409-429): LIKGGARVDL[Val419Ala]DQDGHSLLHW